The following is an entry in ClinVar:

NM_001004334.4(GPR179):c.72G>C (p.Trp24Cys)

Gene: GPR179 (G protein-coupled receptor 179; minus strand). Cytogenetic location: 17q12.
Variant type: single nucleotide variant.
Coding change: c.72G>C on transcript NM_001004334.4 (MANE Select); coding-DNA position 72, G replaced by C.
Protein change: p.Trp24Cys; replaces tryptophan 24 with cysteine.
Molecular consequence: missense variant.
Genome position (GRCh38, 1-based): chr17:38,343,718, C>G on the plus strand (G>C on the coding strand, the complement: GPR179 is on the minus strand). VCF-style: chr17-38343718-C-G. GRCh37 (hg19) VCF-style: chr17-36499601-C-G.
Other names: short protein forms W24C.
Identifiers: ClinVar variation 2963485 (VCV002963485.2), dbSNP rs1201956744, ClinGen allele CA398889963.
Genomic context (GRCh38, chr17:38,343,718, plus strand): 5'-TGGCTTGACTTGGGAAGACAGAGGGGGCAGAGAGCGGATGGGCCGTGGACCCCCCAGAGC[C>G]CAGGCACAGACAAAACAGCAGCCCAGCAGCCCCCACATAGGAGGGGGCATGACCGCTCCC-3'
Protein context (NP_001004334.3, residues 14-34): GLLGCCFVCA[Trp24Cys]ALGGPRPIRS

ClinVar aggregate classification (germline): Uncertain significance (1 of 4 stars; one submission).

Allele frequency attached by ClinVar (database versions not stated): gnomAD exomes below 0.00001; TOPMed 0.00002.
gnomAD v4.1: 2 of 1,579,880 alleles (0.00013%); highest among the groups gnomAD compares: Admixed American, 0.0035%; no homozygotes.

Submission:

Labcorp Genetics (formerly Invitae), Labcorp
Classification: Uncertain significance. Last evaluated: 2023-10-03. Review status: criteria provided, single submitter. Criteria: Invitae Variant Classification Sherloc (09022015). Collection method: clinical testing. Allele origin: germline.
Comment: This sequence change replaces tryptophan, which is neutral and slightly polar, with cysteine, which is neutral and slightly polar, at codon 24 of the GPR179 protein (p.Trp24Cys). This variant is present in population databases (no rsID available, gnomAD 0.003%). This variant has not been reported in the literature in individuals affected with GPR179-related conditions. An algorithm developed to predict the effect of missense changes on protein structure and function (PolyPhen-2) suggests that this variant is likely to be disruptive. In summary, the available evidence is currently insufficient to determine the role of this variant in disease. Therefore, it has been classified as a Variant of Uncertain Significance.